The following is an entry in ClinVar:

ClinVar aggregate classification (germline): Uncertain significance (1 of 4 stars; one submission).

Conditions:
Long QT syndrome (LQTS). Identifiers: MedGen C0023976, MeSH D008133, MONDO:0002442. Disease mechanism: loss of function. Inheritance: Various modes of inheritance.

Allele frequency attached by ClinVar (database versions not stated): gnomAD exomes below 0.00001; gnomAD 0.00001; TOPMed 0.00001.
gnomAD v4.1: 3 of 1,614,002 alleles (0.00019%); highest among the groups gnomAD compares: African/African-American, 0.0013%; no homozygotes.

Submission:

Labcorp Genetics (formerly Invitae), Labcorp
Classification: Uncertain significance for Long QT syndrome. Last evaluated: 2020-03-17. Review status: criteria provided, single submitter. Criteria: Invitae Variant Classification Sherloc (09022015). Collection method: clinical testing. Allele origin: germline.
Comment: This sequence change replaces valine with alanine at codon 3754 of the AKAP9 protein (p.Val3754Ala). The valine residue is weakly conserved and there is a small physicochemical difference between valine and alanine. In summary, the available evidence is currently insufficient to determine the role of this variant in disease. Therefore, it has been classified as a Variant of Uncertain Significance. Algorithms developed to predict the effect of missense changes on protein structure and function (SIFT, PolyPhen-2, Align-GVGD) all suggest that this variant is likely to be tolerated, but these predictions have not been confirmed by published functional studies and their clinical significance is uncertain. This variant has not been reported in the literature in individuals with AKAP9-related conditions. This variant is not present in population databases (ExAC no frequency).

NM_005751.5(AKAP9):c.11261T>C (p.Val3754Ala)

Gene: AKAP9 (A-kinase anchoring protein 9; plus strand). Cytogenetic location: 7q21.2.
Variant type: single nucleotide variant.
Coding change: c.11261T>C on transcript NM_005751.5 (MANE Select); coding-DNA position 11261, T replaced by C.
Protein change: p.Val3754Ala; replaces valine 3754 with alanine.
Molecular consequence: missense variant.
Genome position (GRCh38, 1-based): chr7:92,102,757, T>C. VCF-style: chr7-92102757-T-C. GRCh37 (hg19) VCF-style: chr7-91732071-T-C.
Other names: c.5906T>C, p.Val1969Ala (NM_001379277.1); c.11237T>C, p.Val3746Ala (NM_147185.3); short protein forms V1969A, V3746A, V3754A.
Identifiers: ClinVar variation 1022900 (VCV001022900.8), dbSNP rs1245271204, ClinGen allele CA368162596.